The following is an entry in ClinVar:

ClinVar aggregate classification (germline): Likely benign (1 of 4 stars; one submission).

Submission:

CeGaT Center for Human Genetics Tuebingen
Classification: Likely benign. Last evaluated: 2023-02-01. Review status: criteria provided, single submitter. Criteria: CeGaT Center For Human Genetics Tuebingen Variant Classification Criteria Version 2. Collection method: clinical testing. Allele origin: germline. Affected: yes. Observed: 1 variant allele.
Comment: CCDC88C: PM2:Supporting, BP4, BP7

NM_001080414.4(CCDC88C):c.3210G>A (p.Gln1070=)

Gene: CCDC88C (coiled-coil and HOOK domain protein 88C; minus strand). Cytogenetic location: 14q32.11.
Variant type: single nucleotide variant.
Coding change: c.3210G>A on transcript NM_001080414.4 (MANE Select); coding-DNA position 3210, G replaced by A.
Protein change: p.Gln1070=; no amino-acid change (glutamine 1070 retained).
Molecular consequence: synonymous variant.
Genome position (GRCh38, 1-based): chr14:91,305,912, C>T on the plus strand (G>A on the coding strand, the complement: CCDC88C is on the minus strand). VCF-style: chr14-91305912-C-T. GRCh37 (hg19) VCF-style: chr14-91772256-C-T.
Identifiers: ClinVar variation 2644456 (VCV002644456.24), dbSNP rs2544361577, ClinGen allele CA487549177.
Genomic context (GRCh38, chr14:91,305,912, plus strand): 5'-GAAGGTCACGTTCTGGGTCTCCAGGTGCTGCAGCTGTTCCTTTAGCAGCTGCTTCTCAGC[C>T]TGCAGAGCTGCATTCTAGAAGATCGGGAGGCATGAGCGAATCAAACTCCAACTGGGTAAA-3'
Protein context (NP_001073883.2, residues 1060-1080): IELERNNAAL[Gln1070=]AEKQLLKEQL